The following is an entry in ClinVar:

ClinVar aggregate classification (germline): Uncertain significance. Review status: criteria provided, multiple submitters, no conflicts (2 of 4 stars). 2 submissions from 2 submitters: Uncertain significance (2). Last evaluated 2025-10-10.

Conditions:
Hypertrophic cardiomyopathy 14. Identifiers: MedGen C2750467, MONDO:0013197, OMIM 613251.

Submissions (2):

Labcorp Genetics (formerly Invitae), Labcorp
Classification: Uncertain significance for Hypertrophic cardiomyopathy 14. Last evaluated: 2025-10-10. Review status: criteria provided, single submitter. Criteria: Invitae Variant Classification Sherloc (09022015). Collection method: clinical testing. Allele origin: germline.
Comment: This variant, c.4856_4858del, results in the deletion of 1 amino acid(s) of the MYH6 protein (p.Lys1619del), but otherwise preserves the integrity of the reading frame. The frequency data for this variant in the population databases is considered unreliable, as metrics indicate poor data quality at this position in the gnomAD database. This variant has not been reported in the literature in individuals affected with MYH6-related conditions. Experimental studies and prediction algorithms are not available or were not evaluated, and the functional significance of this variant is currently unknown. In summary, the available evidence is currently insufficient to determine the role of this variant in disease. Therefore, it has been classified as a Variant of Uncertain Significance.

Blueprint Genetics
Classification: Uncertain significance. Last evaluated: 2022-06-14. Review status: criteria provided, single submitter. Criteria: ACMG Guidelines, 2015. Collection method: clinical testing. Allele origin: germline.

NM_002471.4(MYH6):c.4850AGA[2] (p.Lys1619del)

Genes: MYH6 (myosin heavy chain 6; minus strand), LOC126861896 (BRD4-independent group 4 enhancer GRCh37_chr14:23854904-23856103; plus strand). Cytogenetic location: 14q11.2.
Variant type: Microsatellite.
Coding change: c.4850AGA[2] on transcript NM_002471.4 (MANE Select); two copies in a row of the 3-base unit AGA starting at c.4850; the reference has three copies in a row; one copy, 3 bases deleted.
Protein change: p.Lys1619del; deletes lysine 1619.
Genome position (GRCh38, 1-based): chr14:23,386,416-23,386,418, TCT deleted on the plus strand (AGA on the coding strand, the reverse complement: MYH6 is on the minus strand); deleting any 3 consecutive bases within chr14:23,386,416-23,386,426 gives the same sequence; the position shown is the placement nearest the transcript's 3' end. VCF-style (leftmost placement, unchanged base first): chr14-23386415-ATCT-A. GRCh37 (hg19) VCF-style: chr14-23855624-ATCT-A.
Other names: short protein forms K1619del.
Identifiers: ClinVar variation 4802613 (VCV004802613.2).